The following is an entry in ClinVar:

ClinVar aggregate classification (germline): Uncertain significance. Review status: criteria provided, multiple submitters, no conflicts (2 of 4 stars). 3 submissions from 3 submitters: Uncertain significance (3). Last evaluated 2024-12-05.

Conditions:
Inborn genetic diseases. Identifiers: MedGen C0950123, MeSH D030342.
Acute myeloid leukemia (AML). Also called: Acute myeloid leukemia, adult; AML adult; Acute non-lymphocytic leukemia; Acute granulocytic leukemia; Leukemia, acute myeloid, somatic; Leukemia, acute myelogenous, somatic. Identifiers: Orphanet 519, MedGen C0023467, MeSH D015470, MONDO:0018874, OMIM 601626, HP:0004808. Disease mechanism: Constitutively activated FLT3.
Deafness-lymphedema-leukemia syndrome. Also called: Lymphedema, primary, with myelodysplasia; Emberger syndrome. Identifiers: Orphanet 3226, MedGen C3279664, MONDO:0013540, OMIM 614038.
Monocytopenia with susceptibility to infections. Also called: IMMUNODEFICIENCY 21; GATA2 DEFICIENCY; MONOCYTOPENIA AND MYCOBACTERIAL INFECTION SYNDROME; MONOCYTOPENIA WITH SUSCEPTIBILITY TO MYCOBACTERIAL, FUNGAL, AND PAPILLOMAVIRUS INFECTIONS AND MYELODYSPLASIA; COMBINED IMMUNODEFICIENCY WITH SUSCEPTIBILITY TO MYCOBACTERIAL, VIRAL, AND FUNGAL INFECTIONS; Dendritic cell, monocyte, B lymphocyte, and natural killer lymphocyte deficiency. Identifiers: Orphanet 228423, MedGen C3280030, MONDO:0013607, OMIM 614172.
Myelodysplastic syndrome (MDS). Also called: Myelodysplastic syndrome, somatic; MYELODYSPLASTIC SYNDROME, SUSCEPTIBILITY TO; Myelodysplastic syndromes. Identifiers: Orphanet 52688, MedGen C3463824, MeSH D009190, MONDO:0018881, OMIM 614286.

Allele frequency attached by ClinVar (database versions not stated): gnomAD exomes below 0.00001 and 0.00001; TOPMed below 0.00001; gnomAD 0.00001.

Submissions (3):

Ambry Genetics
Classification: Uncertain significance for Inborn genetic diseases. Last evaluated: 2024-12-05. Review status: criteria provided, single submitter. Criteria: Ambry Variant Classification Scheme 2023. Collection method: clinical testing. Allele origin: germline.
Comment: The p.F278I variant (also known as c.832T>A), located in coding exon 2 of the GATA2 gene, results from a T to A substitution at nucleotide position 832. The phenylalanine at codon 278 is replaced by isoleucine, an amino acid with highly similar properties. This amino acid position is highly conserved in available vertebrate species. In addition, the in silico prediction for this alteration is inconclusive. Based on the available evidence, the clinical significance of this variant remains unclear.

Fulgent Genetics
Classification: Uncertain significance for Acute myeloid leukemia; Deafness-lymphedema-leukemia syndrome; Monocytopenia with susceptibility to infections; Myelodysplastic syndrome. Last evaluated: 2024-05-15. Review status: criteria provided, single submitter. Criteria: ACMG Guidelines, 2015. Collection method: clinical testing. Allele origin: germline.

Labcorp Genetics (formerly Invitae), Labcorp
Classification: Uncertain significance for Monocytopenia with susceptibility to infections; Deafness-lymphedema-leukemia syndrome. Last evaluated: 2023-04-22. Review status: criteria provided, single submitter. Criteria: Invitae Variant Classification Sherloc (09022015). Collection method: clinical testing. Allele origin: germline.
Comment: This sequence change replaces phenylalanine, which is neutral and non-polar, with isoleucine, which is neutral and non-polar, at codon 278 of the GATA2 protein (p.Phe278Ile). This variant is present in population databases (no rsID available, gnomAD 0.0009%). This variant has not been reported in the literature in individuals affected with GATA2-related conditions. ClinVar contains an entry for this variant (Variation ID: 643216). Advanced modeling of protein sequence and biophysical properties (such as structural, functional, and spatial information, amino acid conservation, physicochemical variation, residue mobility, and thermodynamic stability) has been performed at Invitae for this missense variant, however the output from this modeling did not meet the statistical confidence thresholds required to predict the impact of this variant on GATA2 protein function. In summary, the available evidence is currently insufficient to determine the role of this variant in disease. Therefore, it has been classified as a Variant of Uncertain Significance.

NM_032638.5(GATA2):c.832T>A (p.Phe278Ile)

Gene: GATA2 (GATA binding protein 2; minus strand). Cytogenetic location: 3q21.3.
Variant type: single nucleotide variant.
Coding change: c.832T>A on transcript NM_032638.5 (MANE Select); coding-DNA position 832, T replaced by A.
Protein change: p.Phe278Ile; replaces phenylalanine 278 with isoleucine.
Molecular consequence: missense variant.
Genome position (GRCh38, 1-based): chr3:128,485,766, A>T on the plus strand (T>A on the coding strand, the complement: GATA2 is on the minus strand). VCF-style: chr3-128485766-A-T. GRCh37 (hg19) VCF-style: chr3-128204609-A-T.
Other names: c.832T>A, p.Phe278Ile (NM_001145661.2, NM_001145662.1); short protein forms F278I.
Identifiers: ClinVar variation 643216 (VCV000643216.10), dbSNP rs1449079964, ClinGen allele CA354405771.